The following is an entry in ClinVar:

ClinVar aggregate classification (germline): Uncertain significance (1 of 4 stars; one submission).

Conditions:
Arrhythmogenic cardiomyopathy with wooly hair and keratoderma. Also called: Carvajal syndrome; Arrhythmogenic cardiomyopathy with woolly hair and keratoderma; Dilated cardiomyopathy with woolly hair and keratoderma; PALMOPLANTAR KERATODERMA WITH LEFT VENTRICULAR CARDIOMYOPATHY AND WOOLLY HAIR. Identifiers: Orphanet 65282, MedGen C1854063, MONDO:0011581, OMIM 605676.
Arrhythmogenic right ventricular dysplasia 8 (ARVD8). Also called: ARRHYTHMOGENIC RIGHT VENTRICULAR DYSPLASIA, FAMILIAL, 8; Arrhythmogenic Right Ventricular Dysplasia/Cardiomyopathy 8; ARRHYTHMOGENIC RIGHT VENTRICULAR CARDIOMYOPATHY 8. Identifiers: MedGen C1843896, MONDO:0011831, OMIM 607450.

Submission:

Labcorp Genetics (formerly Invitae), Labcorp
Classification: Uncertain significance for Arrhythmogenic cardiomyopathy with wooly hair and keratoderma; Arrhythmogenic right ventricular dysplasia 8. Last evaluated: 2021-07-08. Review status: criteria provided, single submitter. Criteria: Invitae Variant Classification Sherloc (09022015). Collection method: clinical testing. Allele origin: germline.
Comment: In summary, the available evidence is currently insufficient to determine the role of this variant in disease. Therefore, it has been classified as a Variant of Uncertain Significance. Algorithms developed to predict the effect of missense changes on protein structure and function are either unavailable or do not agree on the potential impact of this missense change (SIFT: "Tolerated"; PolyPhen-2: "Probably Damaging"; Align-GVGD: "Class C0"). This variant has not been reported in the literature in individuals affected with DSP-related conditions. This variant is not present in population databases (ExAC no frequency). This sequence change replaces aspartic acid with asparagine at codon 2559 of the DSP protein (p.Asp2559Asn). The aspartic acid residue is highly conserved and there is a small physicochemical difference between aspartic acid and asparagine.

NM_004415.4(DSP):c.7675G>A (p.Asp2559Asn)

Gene: DSP (desmoplakin; plus strand). Cytogenetic location: 6p24.3.
Variant type: single nucleotide variant.
Coding change: c.7675G>A on transcript NM_004415.4 (MANE Select); coding-DNA position 7675, G replaced by A.
Protein change: p.Asp2559Asn; replaces aspartic acid 2559 with asparagine.
Molecular consequence: missense variant.
Genome position (GRCh38, 1-based): chr6:7,584,937, G>A. VCF-style: chr6-7584937-G-A. GRCh37 (hg19) VCF-style: chr6-7585170-G-A.
Other names: c.5878G>A, p.Asp1960Asn (NM_001008844.3); c.6346G>A, p.Asp2116Asn (NM_001319034.2); short protein forms D1960N, D2559N, D2116N.
Identifiers: ClinVar variation 1472261 (VCV001472261.8), dbSNP rs2113702999, ClinGen allele CA362693531.